The following is an entry in ClinVar:

NM_000297.4(PKD2):c.1959del (p.Arg654fs)

Gene: PKD2 (polycystin 2, transient receptor potential cation channel; plus strand). Cytogenetic location: 4q22.1.
Variant type: Deletion.
Coding change: c.1959del on transcript NM_000297.4 (MANE Select); coding-DNA position 1959, one base deleted (T; older notation c.1959delT).
Protein change: p.Arg654fs; shifts the reading frame from arginine 654.
Molecular consequence: frameshift variant.
Genome position (GRCh38, 1-based): chr4:88,058,043, T deleted. VCF-style (leftmost placement, unchanged base first): chr4-88058042-AT-A. GRCh37 (hg19) VCF-style: chr4-88979194-AT-A.
Other names: c.1734del, p.Arg579fs (NM_001440544.1); short protein forms R579fs, R654fs.
Identifiers: ClinVar variation 4531956 (VCV004531956.1).

ClinVar aggregate classification (germline): Pathogenic (1 of 4 stars; one submission).

Conditions:
Polycystic kidney disease 2 (PKD2). Also called: POLYCYSTIC KIDNEY DISEASE, ADULT, TYPE II; Polycystic Kidney Disease 2, Autosomal Dominant; POLYCYSTIC KIDNEY DISEASE 2 WITH OR WITHOUT POLYCYSTIC LIVER DISEASE. Identifiers: MedGen C2751306, MONDO:0013131, OMIM 613095.

Submission:

Victorian Clinical Genetics Services, Murdoch Childrens Research Institute
Classification: Pathogenic for Polycystic kidney disease 2. Last evaluated: 2025-05-19. Review status: criteria provided, single submitter. Criteria: ACMG Guidelines, 2015. Collection method: clinical testing. Allele origin: germline. Affected: yes.
Comment: This variant is classified as Pathogenic. Evidence in support of pathogenic classification: Variant is predicted to cause nonsense-mediated decay (NMD) and loss of protein (premature termination codon is located at least 54 nucleotides upstream of the final exon-exon junction); Variant is absent from gnomAD (v2, v3 and v4); Other NMD-predicted variant(s) comparable to the one identified in this case have very strong previous evidence for pathogenicity (DECIPHER). Additional information: This variant is heterozygous; This gene is associated with autosomal dominant disease; Loss of function is a known mechanism of disease in this gene and is associated with polycystic kidney disease 2 (MIM#613095); Inheritance information for this variant is not currently available in this individual.